The following is an entry in ClinVar:

ClinVar aggregate classification (germline): Uncertain significance (1 of 4 stars; one submission).

Allele frequency attached by ClinVar (database versions not stated): gnomAD exomes below 0.00001.
gnomAD v4.1: 3 of 1,614,062 alleles (0.00019%); highest among the groups gnomAD compares: Non-Finnish European, 0.00017%; no homozygotes.

Submission:

Labcorp Genetics (formerly Invitae), Labcorp
Classification: Uncertain significance. Last evaluated: 2023-07-14. Review status: criteria provided, single submitter. Criteria: Invitae Variant Classification Sherloc (09022015). Collection method: clinical testing. Allele origin: germline.
Comment: In summary, the available evidence is currently insufficient to determine the role of this variant in disease. Therefore, it has been classified as a Variant of Uncertain Significance. An algorithm developed to predict the effect of missense changes on protein structure and function (PolyPhen-2) suggests that this variant is likely to be tolerated. ClinVar contains an entry for this variant (Variation ID: 1902376). This variant has not been reported in the literature in individuals affected with ACVR1-related conditions. This variant is not present in population databases (gnomAD no frequency). This sequence change replaces methionine, which is neutral and non-polar, with isoleucine, which is neutral and non-polar, at codon 288 of the ACVR1 protein (p.Met288Ile).

NM_001111067.4(ACVR1):c.864G>A (p.Met288Ile)

Gene: ACVR1 (activin A receptor type 1; minus strand). Cytogenetic location: 2q24.1.
Variant type: single nucleotide variant.
Coding change: c.864G>A on transcript NM_001111067.4 (MANE Select); coding-DNA position 864, G replaced by A.
Protein change: p.Met288Ile; replaces methionine 288 with isoleucine.
Molecular consequence: missense variant.
Genome position (GRCh38, 1-based): chr2:157,766,123, C>T on the plus strand (G>A on the coding strand, the complement: ACVR1 is on the minus strand). VCF-style: chr2-157766123-C-T. GRCh37 (hg19) VCF-style: chr2-158622635-C-T.
Other names: c.864G>A, p.Met288Ile (NM_001105.5, NM_001347663.1, NM_001347664.1 and 3 more transcripts); short protein forms M288I.
Identifiers: ClinVar variation 1902376 (VCV001902376.5), dbSNP rs2467932944, ClinGen allele CA349190325.